The following is an entry in ClinVar:

ClinVar aggregate classification (germline): Uncertain significance. Review status: criteria provided, multiple submitters, no conflicts (2 of 4 stars). 4 submissions from 4 submitters: Uncertain significance (3). 1 of the submissions does not count toward it. Last evaluated 2026-09-19.

Conditions:
Bardet-Biedl syndrome (BBS). Identifiers: Orphanet 110, MedGen C0752166, MONDO:0015229.
BBS12-related disorder. Also called: BBS12-related condition.
Bardet-Biedl syndrome 12 (BBS12). Identifiers: Orphanet 110, MedGen C1859570, MONDO:0014440, OMIM 615989.

Allele frequency attached by ClinVar (database versions not stated): gnomAD exomes below 0.00001 and 0.00002; gnomAD 0.00002 and 0.00004; ExAC 0.00003; TOPMed 0.00004; ESP Exome Variant Server 0.00008.

Submissions (4):

PreventionGenetics, part of Exact Sciences
Classification: Uncertain significance for BBS12-related condition. Last evaluated: 2026-09-19. Review status: criteria provided, single submitter. Criteria: ACMG Guidelines, 2015. Collection method: clinical testing. Allele origin: germline.
Comment: The BBS12 c.1411G>A variant is predicted to result in the amino acid substitution p.Val471Met. To our knowledge, this variant has not been reported in the literature. This variant is reported in 0.016% of alleles in individuals of African descent in gnomAD. At this time, the clinical significance of this variant is uncertain due to the absence of conclusive functional and genetic evidence.

Labcorp Genetics (formerly Invitae), Labcorp
Classification: Uncertain significance for Bardet-Biedl syndrome. Last evaluated: 2022-10-17. Review status: criteria provided, single submitter. Criteria: Invitae Variant Classification Sherloc (09022015). Collection method: clinical testing. Allele origin: germline.
Comment: This sequence change replaces valine, which is neutral and non-polar, with methionine, which is neutral and non-polar, at codon 471 of the BBS12 protein (p.Val471Met). This variant is present in population databases (rs140675688, gnomAD 0.02%). This variant has not been reported in the literature in individuals affected with BBS12-related conditions. ClinVar contains an entry for this variant (Variation ID: 1009578). Advanced modeling of protein sequence and biophysical properties (such as structural, functional, and spatial information, amino acid conservation, physicochemical variation, residue mobility, and thermodynamic stability) performed at Invitae indicates that this missense variant is expected to disrupt BBS12 protein function. In summary, the available evidence is currently insufficient to determine the role of this variant in disease. Therefore, it has been classified as a Variant of Uncertain Significance.

Fulgent Genetics
Classification: Uncertain significance for Bardet-Biedl syndrome 12. Last evaluated: 2022-01-12. Review status: criteria provided, single submitter. Criteria: ACMG Guidelines, 2015. Collection method: clinical testing. Allele origin: unknown.

Natera, Inc.
Classification: Uncertain significance for Bardet-Biedl syndrome type 12. Last evaluated: 2020-01-24. Review status: no assertion criteria provided. Collection method: clinical testing. Allele origin: germline. Not counted in ClinVar's aggregate classification.

NM_152618.3(BBS12):c.1411G>A (p.Val471Met)

Gene: BBS12 (Bardet-Biedl syndrome 12; plus strand). Cytogenetic location: 4q27.
Variant type: single nucleotide variant.
Coding change: c.1411G>A on transcript NM_152618.3 (MANE Select); coding-DNA position 1411, G replaced by A.
Protein change: p.Val471Met; replaces valine 471 with methionine.
Molecular consequence: missense variant.
Genome position (GRCh38, 1-based): chr4:122,743,303, G>A. VCF-style: chr4-122743303-G-A. GRCh37 (hg19) VCF-style: chr4-123664458-G-A.
Other names: c.1411G>A, p.Val471Met (NM_001178007.2); c.1411G>A (NM_152618.2); short protein forms V471M.
Identifiers: ClinVar variation 1009578 (VCV001009578.5), dbSNP rs140675688, ClinGen allele CA3069443.
Genomic context (GRCh38, chr4:122,743,303, plus strand): 5'-GCAGTACAGGTGGCCTACATTACACAAGTGAATGAAGATTGTGTGGGCGACGGGGTCTGC[G>A]TGACCTTCTGGAGAAGCAGCCCTTTGGATGTTGTAGATAGGAACAACAGAATCGCAATCT-3'
Protein context (NP_689831.2, residues 461-481): NEDCVGDGVC[Val471Met]TFWRSSPLDV